The following is an entry in ClinVar:

ClinVar aggregate classification (germline): Uncertain significance (1 of 4 stars; one submission).

Conditions:
Early-infantile DEE. Also called: Ohtahara syndrome; Early infantile epileptic encephalopathy; Early infantile epileptic encephalopathy with suppression bursts. Identifiers: Orphanet 1934, MedGen C0393706, MONDO:0800491.

gnomAD v4.1: 1 of 1,613,840 alleles (0.000062%); highest among the groups gnomAD compares: Non-Finnish European, 0.000085%; no homozygotes.

Submission:

Labcorp Genetics (formerly Invitae), Labcorp
Classification: Uncertain significance for Early-infantile DEE. Last evaluated: 2024-01-06. Review status: criteria provided, single submitter. Criteria: Invitae Variant Classification Sherloc (09022015). Collection method: clinical testing. Allele origin: germline.
Comment: This sequence change replaces phenylalanine, which is neutral and non-polar, with leucine, which is neutral and non-polar, at codon 210 of the SCN8A protein (p.Phe210Leu). This variant is not present in population databases (gnomAD no frequency). This missense change has been observed in individual(s) with SCN8A-related conditions (PMID: 25818041). In at least one individual the variant was observed to be de novo. Advanced modeling of protein sequence and biophysical properties (such as structural, functional, and spatial information, amino acid conservation, physicochemical variation, residue mobility, and thermodynamic stability) has been performed at Invitae for this missense variant, however the output from this modeling did not meet the statistical confidence thresholds required to predict the impact of this variant on SCN8A protein function. In summary, the available evidence is currently insufficient to determine the role of this variant in disease. Therefore, it has been classified as a Variant of Uncertain Significance.

Literature cited by the submitters: PubMed 25818041.

NM_014191.4(SCN8A):c.630T>G (p.Phe210Leu)

Gene: SCN8A (sodium voltage-gated channel alpha subunit 8; plus strand). Cytogenetic location: 12q13.13.
Variant type: single nucleotide variant.
Coding change: c.630T>G on transcript NM_014191.4 (MANE Plus Clinical); coding-DNA position 630, T replaced by G.
Protein change: p.Phe210Leu; replaces phenylalanine 210 with leucine.
Molecular consequence: missense variant. On other transcripts: intron variant (2).
Genome position (GRCh38, 1-based): chr12:51,688,773, T>G. VCF-style: chr12-51688773-T-G. GRCh37 (hg19) VCF-style: chr12-52082557-T-G.
Other names: c.615-232T>G (NM_001369788.1, NM_001330260.2); c.630T>G, p.Phe210Leu (NM_001177984.3); short protein forms F210L.
Identifiers: ClinVar variation 2767097 (VCV002767097.3), dbSNP rs2138716083, ClinGen allele CA385223695.
Genomic context (GRCh38, chr12:51,688,773, plus strand): 5'-CGCCCAGTGGTACCATTACAAGTTAACTTTGGTTTGATTCTGCAGGTATATAACAGAGTT[T>G]GTAAACCTAGGCAATGTTTCAGCTCTACGCACTTTCAGGGTACTGAGGGCTTTGAAAACT-3'
Protein context (NP_055006.1, residues 200-220): SVIMMAYITE[Phe210Leu]VNLGNVSALR